The following is an entry in ClinVar:

NM_020778.5(ALPK3):c.4241G>A (p.Gly1414Asp)

Gene: ALPK3 (alpha kinase 3; plus strand). Cytogenetic location: 15q25.3.
Variant type: single nucleotide variant.
Coding change: c.4241G>A on transcript NM_020778.5 (MANE Select); coding-DNA position 4241, G replaced by A.
Protein change: p.Gly1414Asp; replaces glycine 1414 with aspartic acid.
Molecular consequence: missense variant.
Genome position (GRCh38, 1-based): chr15:84,862,746, G>A. VCF-style: chr15-84862746-G-A. GRCh37 (hg19) VCF-style: chr15-85405977-G-A.
Other names: c.4847G>A (NM_020778.4); short protein forms G1414D.
Identifiers: ClinVar variation 1496946 (VCV001496946.9), dbSNP rs762937166, ClinGen allele CA7709906.

ClinVar aggregate classification (germline): Uncertain significance. Review status: criteria provided, multiple submitters, no conflicts (2 of 4 stars). 3 submissions from 3 submitters: Uncertain significance (3). Last evaluated 2023-11-24.

Conditions:
Cardiovascular phenotype. Identifiers: MedGen CN230736.

Allele frequency attached by ClinVar (database versions not stated): ExAC 0.00001; gnomAD 0.00001; gnomAD exomes 0.00001; TOPMed 0.00001.

Submissions (3):

Labcorp Genetics (formerly Invitae), Labcorp
Classification: Uncertain significance. Last evaluated: 2023-11-24. Review status: criteria provided, single submitter. Criteria: Invitae Variant Classification Sherloc (09022015). Collection method: clinical testing. Allele origin: germline.
Comment: This sequence change replaces glycine, which is neutral and non-polar, with aspartic acid, which is acidic and polar, at codon 1616 of the ALPK3 protein (p.Gly1616Asp). This variant is present in population databases (rs762937166, gnomAD 0.003%). This variant has not been reported in the literature in individuals affected with ALPK3-related conditions. ClinVar contains an entry for this variant (Variation ID: 1496946). Algorithms developed to predict the effect of missense changes on protein structure and function output the following: SIFT: "Not Available"; PolyPhen-2: "Benign"; Align-GVGD: "Not Available". The aspartic acid amino acid residue is found in multiple mammalian species, which suggests that this missense change does not adversely affect protein function. In summary, the available evidence is currently insufficient to determine the role of this variant in disease. Therefore, it has been classified as a Variant of Uncertain Significance.

Ambry Genetics
Classification: Uncertain significance for Cardiovascular phenotype. Last evaluated: 2023-11-08. Review status: criteria provided, single submitter. Criteria: Ambry Variant Classification Scheme 2023. Collection method: clinical testing. Allele origin: germline.
Comment: The p.G1616D variant (also known as c.4847G>A), located in coding exon 10 of the ALPK3 gene, results from a G to A substitution at nucleotide position 4847. The glycine at codon 1616 is replaced by aspartic acid, an amino acid with similar properties. This amino acid position is conserved. In addition, this alteration is predicted to be tolerated by in silico analysis. Since supporting evidence is limited at this time, the clinical significance of this alteration remains unclear.

GeneDx
Classification: Uncertain significance. Last evaluated: 2023-10-30. Review status: criteria provided, single submitter. Criteria: GeneDx Variant Classification Process June 2021. Collection method: clinical testing. Allele origin: germline. Affected: yes.
Comment: Not observed at significant frequency in large population cohorts (gnomAD); In silico analysis supports that this missense variant does not alter protein structure/function; Has not been previously published as pathogenic or benign to our knowledge